The following is an entry in ClinVar:

NM_001292063.2(OTOG):c.4236C>A (p.Cys1412Ter)

Gene: OTOG (otogelin; plus strand). Cytogenetic location: 11p15.1.
Variant type: single nucleotide variant.
Coding change: c.4236C>A on transcript NM_001292063.2 (MANE Select); coding-DNA position 4236, C replaced by A.
Protein change: p.Cys1412Ter; replaces cysteine 1412 with a stop codon.
Molecular consequence: nonsense.
Genome position (GRCh38, 1-based): chr11:17,608,375, C>A. VCF-style: chr11-17608375-C-A. GRCh37 (hg19) VCF-style: chr11-17629922-C-A.
Other names: c.4272C>A, p.Cys1424Ter (NM_001277269.2); short protein forms C1412*, C1424*.
Identifiers: ClinVar variation 3603003 (VCV003603003.1).

ClinVar aggregate classification (germline): Pathogenic (1 of 4 stars; one submission).

Submission:

GeneDx
Classification: Pathogenic. Last evaluated: 2024-08-04. Review status: criteria provided, single submitter. Criteria: GeneDx Variant Classification Process June 2021. Collection method: clinical testing. Allele origin: germline. Affected: yes.
Comment: Nonsense variant predicted to result in protein truncation or nonsense mediated decay in a gene for which loss of function is a known mechanism of disease; Not observed at significant frequency in large population cohorts (gnomAD); Has not been previously published as pathogenic or benign to our knowledge